The following is an entry in ClinVar:

NM_001379180.1(ESRRB):c.1120+9G>A

Gene: ESRRB (estrogen related receptor beta; plus strand). Cytogenetic location: 14q24.3.
Variant type: single nucleotide variant.
Coding change: c.1120+9G>A on transcript NM_001379180.1 (MANE Select); 9 bases into the intron after coding-DNA position 1120, G replaced by A.
Molecular consequence: intron variant.
Genome position (GRCh38, 1-based): chr14:76,491,725, G>A. VCF-style: chr14-76491725-G-A. GRCh37 (hg19) VCF-style: chr14-76958068-G-A.
Other names: c.1057+9G>A (NM_004452.3, NM_004452.4).
Identifiers: ClinVar variation 1532077 (VCV001532077.10), dbSNP rs377532399, ClinGen allele CA7281761.
Genomic context (GRCh38, chr14:76,491,725, plus strand): 5'-GTGGAGAAGGAGGAGTTTGTGACGCTCAAGGCCCTGGCCCTCGCCAACTCCGGTAAGGGC[G>A]GCGGCGGGGCCTGGAAGGGGAGCTTCTAGGGCTCTGCATGGGCCTAATGAGCCCATCCCT-3'

ClinVar aggregate classification (germline): Conflicting classifications of pathogenicity. Review status: criteria provided, conflicting classifications (1 of 4 stars). 3 submissions from 3 submitters: Uncertain significance (1); Likely benign (2). Last evaluated 2026-07-30.

Conditions:
ESRRB-related disorder. Also called: ESRRB-related condition.

Allele frequency attached by ClinVar (database versions not stated): gnomAD exomes 0.00006 and 0.00010; gnomAD 0.00023 and 0.00024; TOPMed 0.00026; ExAC 0.00037; ESP Exome Variant Server 0.00039.
gnomAD v4.1: 136 of 1,567,900 alleles (0.0087%); highest among the groups gnomAD compares: Middle Eastern, 0.13%; 1 homozygote.

Submissions (3):

PreventionGenetics, part of Exact Sciences
Classification: Likely benign for ESRRB-related condition. Last evaluated: 2026-07-30. Review status: criteria provided, single submitter. Criteria: ACMG Guidelines, 2015. Collection method: clinical testing. Allele origin: germline.
Comment: This variant is classified as likely benign based on ACMG/AMP sequence variant interpretation guidelines (Richards et al. 2015 PMID: 25741868, with internal and published modifications).

Labcorp Genetics (formerly Invitae), Labcorp
Classification: Likely benign. Last evaluated: 2024-10-26. Review status: criteria provided, single submitter. Criteria: Invitae Variant Classification Sherloc (09022015). Collection method: clinical testing. Allele origin: germline.

Blueprint Genetics
Classification: Uncertain significance. Last evaluated: 2024-09-02. Review status: criteria provided, single submitter. Criteria: ACMG Guidelines, 2015. Collection method: clinical testing. Allele origin: germline.